The following is an entry in ClinVar:

NM_001429.4(EP300):c.2639C>G (p.Pro880Arg)

Gene: EP300 (EP300 lysine acetyltransferase; plus strand). Cytogenetic location: 22q13.2.
Variant type: single nucleotide variant.
Coding change: c.2639C>G on transcript NM_001429.4 (MANE Select); coding-DNA position 2639, C replaced by G.
Protein change: p.Pro880Arg; replaces proline 880 with arginine.
Molecular consequence: missense variant.
Genome position (GRCh38, 1-based): chr22:41,150,020, C>G. VCF-style: chr22-41150020-C-G. GRCh37 (hg19) VCF-style: chr22-41546024-C-G.
Other names: c.2561C>G, p.Pro854Arg (NM_001362843.2); short protein forms P880R, P854R.
Identifiers: ClinVar variation 4982815 (VCV004982815.1).

ClinVar aggregate classification (germline): Uncertain significance (1 of 4 stars; one submission).

Conditions:
EP300-related disorder. Also called: EP300-related condition; EP300-related disorders.

Submission:

PreventionGenetics, part of Exact Sciences
Classification: Uncertain significance for EP300-related condition. Last evaluated: 2026-06-29. Review status: criteria provided, single submitter. Criteria: ACMG Guidelines, 2015. Collection method: clinical testing. Allele origin: germline.
Comment: The EP300 c.2639C>G variant is predicted to result in the amino acid substitution p.Pro880Arg. To our knowledge, this variant has not been reported in the literature or in a large population database (gnomAD), indicating this variant is rare. At this time, the clinical significance of this variant is uncertain due to the absence of conclusive functional and genetic evidence.